The following is an entry in ClinVar:

ClinVar aggregate classification (germline): Likely pathogenic (1 of 4 stars; one submission).

Conditions:
Hereditary cancer-predisposing syndrome. Also called: Neoplastic Syndromes, Hereditary; Tumor predisposition; Hereditary Cancer Syndrome; Hereditary neoplastic syndrome. Identifiers: Orphanet 140162, MedGen C0027672, MeSH D009386, MONDO:0015356.

Submission:

Ambry Genetics
Classification: Likely pathogenic for Hereditary cancer-predisposing syndrome. Last evaluated: 2025-10-14. Review status: criteria provided, single submitter. Criteria: Ambry Variant Classification Scheme 2023. Collection method: clinical testing. Allele origin: germline.
Comment: The c.2007-4_2007-2delGCAinsACG variant results from a deletion of 3 nucleotides (GCA) and the insertion of 3 nucleotides (ACG) at positions c.2007-4 to c.2007-2 and involves the canonical splice acceptor site before coding exon 12 of the PMS2 gene. The canonical splice acceptor site is highly conserved in available vertebrate species. In silico splice site analysis predicts that this alteration will weaken the native acceptor site and may result in the creation or strengthening of a novel splice acceptor site. The resulting transcript is predicted to be in-frame and is not expected to trigger nonsense-mediated mRNAdecay; however, direct evidence is unavailable. The exact functional effect of the altered amino acid sequence is unknown; however, the impacted region is critical for protein function (Ambry internal data). This variant is considered to be rare based on population cohorts in the Genome Aggregation Database (gnomAD). Based on the majority of available evidence to date, this variant is likely to be pathogenic.

NM_000535.7(PMS2):c.2007-4_2007-2delinsACG

Gene: PMS2 (PMS1 homolog 2, mismatch repair system component; minus strand). Cytogenetic location: 7p22.1.
Variant type: Indel.
Coding change: c.2007-4_2007-2delinsACG on transcript NM_000535.7 (MANE Select); 4 bases into the intron before coding-DNA position 2007 through the canonical splice acceptor site of the intron before coding-DNA position 2007, GCA replaced by ACG.
Molecular consequence: splice acceptor variant.
Genome position (GRCh38, 1-based): chr7:5,982,993-5,982,995, TGC replaced by CGT on the plus strand (GCA replaced by ACG on the coding strand, the reverse complement: PMS2 is on the minus strand). VCF-style: chr7-5982993-TGC-CGT. GRCh37 (hg19) VCF-style: chr7-6022624-TGC-CGT.
Other names: c.1689-4_1689-2delinsACG (NM_001322008.2, NM_001322007.2); c.1446-4_1446-2delinsACG (NM_001322010.2); c.1602-4_1602-2delinsACG (NM_001322004.2, NM_001322003.2, NM_001322009.2 and 1 more transcripts); c.1434-4_1434-2delinsACG (NM_001322013.2); c.1074-4_1074-2delinsACG (NM_001322012.2, NM_001322011.2); c.1698-4_1698-2delinsACG (NM_001322015.2); c.1851-4_1851-2delinsACG (NM_001322006.2); c.2007-4_2007-2delinsACG (NM_001322014.2).
Identifiers: ClinVar variation 1784333 (VCV001784333.4), dbSNP rs2535556776, ClinGen allele CA2580076845.
Genomic context (GRCh38, chr7:5,982,993, plus strand): 5'-TTATTATAAATCCCAGGTTAAACTGACCAATGATTTCCATTTCTGCAAACATCGTTTTAC[TGC>CGT]AGGTAGAAAATGTTAATTATCAGACATTTTACAAGATTATTTTTCTGATTATGTTATAGA-3'